The following is an entry in ClinVar:

ClinVar aggregate classification (germline): Uncertain significance (1 of 4 stars; one submission).

Submission:

GeneDx
Classification: Uncertain significance. Last evaluated: 2024-08-27. Review status: criteria provided, single submitter. Criteria: GeneDx Variant Classification Process June 2021. Collection method: clinical testing. Allele origin: germline. Affected: yes.
Comment: Not observed at significant frequency in large population cohorts (gnomAD); Frameshift variant predicted to result in protein truncation or nonsense mediated decay in a gene for which loss-of-function is not an established mechanism of disease; Has not been previously published as pathogenic or benign to our knowledge

NM_020134.4(DPYSL5):c.962_977del (p.Ile321fs)

Gene: DPYSL5 (dihydropyrimidinase like 5; plus strand). Cytogenetic location: 2p23.3.
Variant type: Deletion.
Coding change: c.962_977del on transcript NM_020134.4 (MANE Select); coding-DNA positions 962 to 977, 16 bases deleted (TCGTGGCATCAGATCA).
Protein change: p.Ile321fs; shifts the reading frame from isoleucine 321.
Molecular consequence: frameshift variant.
Genome position (GRCh38, 1-based): chr2:26,940,045-26,940,060, TCGTGGCATCAGATCA deleted; deleting any 16 consecutive bases within chr2:26,940,043-26,940,060 gives the same sequence; the c. name uses the placement nearest the transcript's 3' end. VCF-style (leftmost placement, unchanged base first): chr2-26940042-ACATCGTGGCATCAGAT-A. GRCh37 (hg19) VCF-style: chr2-27162910-ACATCGTGGCATCAGAT-A.
Other names: c.962_977del, p.Ile321fs (NM_001253723.2, NM_001253724.2); short protein forms I321fs.
Identifiers: ClinVar variation 3766257 (VCV003766257.1).
Genomic context (GRCh38, chr2:26,940,042, plus strand): 5'-GTTCCTCACCTCCCCTCCCCTTACTGGTCACCTCCTTTTCTCTACCCAGTGACACTCTGA[ACATCGTGGCATCAGAT>A]CACCGGCCTTTCACCACAAAGCAGAAAGCTATGGGCAAGGAAGACTTCACCAAGATCCCA-3'